The following is an entry in ClinVar:

NM_022124.6(CDH23):c.8159C>A (p.Pro2720His)

Gene: CDH23 (cadherin related 23; plus strand). Cytogenetic location: 10q22.1.
Variant type: single nucleotide variant.
Coding change: c.8159C>A on transcript NM_022124.6 (MANE Select); coding-DNA position 8159, C replaced by A.
Protein change: p.Pro2720His; replaces proline 2720 with histidine.
Molecular consequence: missense variant.
Genome position (GRCh38, 1-based): chr10:71,806,262, C>A. VCF-style: chr10-71806262-C-A. GRCh37 (hg19) VCF-style: chr10-73566019-C-A.
Other names: c.1439C>A, p.Pro480His (NM_001171933.1, NM_001171934.1); short protein forms P2720H, P480H.
Identifiers: ClinVar variation 2136887 (VCV002136887.1), dbSNP rs1841717815, ClinGen allele CA377162475.

ClinVar aggregate classification (germline): Uncertain significance (1 of 4 stars; one submission).

Allele frequency attached by ClinVar (database versions not stated): gnomAD exomes below 0.00001; TOPMed below 0.00001; gnomAD 0.00001.
gnomAD v4.1: 2 of 1,562,934 alleles (0.00013%); highest among the groups gnomAD compares: Non-Finnish European, 0.00017%; no homozygotes.

Submission:

Labcorp Genetics (formerly Invitae), Labcorp
Classification: Uncertain significance. Last evaluated: 2022-06-07. Review status: criteria provided, single submitter. Criteria: Invitae Variant Classification Sherloc (09022015). Collection method: clinical testing. Allele origin: germline.
Comment: This sequence change replaces proline, which is neutral and non-polar, with histidine, which is basic and polar, at codon 2720 of the CDH23 protein (p.Pro2720His). This variant is not present in population databases (gnomAD no frequency). This missense change has been observed in individual(s) with deafness (PMID: 26969326). Algorithms developed to predict the effect of missense changes on protein structure and function are either unavailable or do not agree on the potential impact of this missense change (SIFT: "Deleterious"; PolyPhen-2: "Not Available"; Align-GVGD: "Class C0"). In summary, the available evidence is currently insufficient to determine the role of this variant in disease. Therefore, it has been classified as a Variant of Uncertain Significance.

Literature cited by the submitters: PubMed 26969326.